The following is an entry in ClinVar:

ClinVar aggregate classification (germline): Uncertain significance. Review status: criteria provided, multiple submitters, no conflicts (2 of 4 stars). 2 submissions from 2 submitters: Uncertain significance (2). Last evaluated 2025-01-03.

Conditions:
Inborn genetic diseases. Identifiers: MedGen C0950123, MeSH D030342.
Woodhouse-Sakati syndrome. Also called: Hypogonadism, Alopecia, Diabetes Mellitus, Mental Retardation, and Extrapyramidal Syndrome; Hypogonadism, diabetes mellitus, alopecia, mental retardation and electrocardiographic abnormalities; EXTRAPYRAMIDAL DISORDER, PROGRESSIVE, WITH PRIMARY HYPOGONADISM, MENTAL RETARDATION, AND ALOPECIA. Identifiers: Orphanet 3464, MedGen C0342286, MONDO:0009419, OMIM 241080.

Allele frequency attached by ClinVar (database versions not stated): ExAC 0.00001; gnomAD 0.00001; gnomAD exomes 0.00001 and 0.00002.
gnomAD v4.1: 14 of 1,613,476 alleles (0.00087%); highest among the groups gnomAD compares: Middle Eastern, 0.016%; no homozygotes.

Submissions (2):

Ambry Genetics
Classification: Uncertain significance for Inborn genetic diseases. Last evaluated: 2025-01-03. Review status: criteria provided, single submitter. Criteria: Ambry Variant Classification Scheme 2023. Collection method: clinical testing. Allele origin: germline.

Labcorp Genetics (formerly Invitae), Labcorp
Classification: Uncertain significance for Woodhouse-Sakati syndrome. Last evaluated: 2022-08-09. Review status: criteria provided, single submitter. Criteria: Invitae Variant Classification Sherloc (09022015). Collection method: clinical testing. Allele origin: germline.
Comment: This sequence change replaces asparagine, which is neutral and polar, with aspartic acid, which is acidic and polar, at codon 70 of the DCAF17 protein (p.Asn70Asp). This variant is present in population databases (rs763821953, gnomAD 0.01%). This variant has not been reported in the literature in individuals affected with DCAF17-related conditions. ClinVar contains an entry for this variant (Variation ID: 1412724). Algorithms developed to predict the effect of missense changes on protein structure and function are either unavailable or do not agree on the potential impact of this missense change (SIFT: "Deleterious"; PolyPhen-2: "Probably Damaging"; Align-GVGD: "Class C15"). In summary, the available evidence is currently insufficient to determine the role of this variant in disease. Therefore, it has been classified as a Variant of Uncertain Significance.

NM_025000.4(DCAF17):c.208A>G (p.Asn70Asp)

Gene: DCAF17 (DDB1 and CUL4 associated factor 17; plus strand). Cytogenetic location: 2q31.1.
Variant type: single nucleotide variant.
Coding change: c.208A>G on transcript NM_025000.4 (MANE Select); coding-DNA position 208, A replaced by G.
Protein change: p.Asn70Asp; replaces asparagine 70 with aspartic acid.
Molecular consequence: missense variant. On other transcripts: non-coding transcript variant (1).
Genome position (GRCh38, 1-based): chr2:171,435,164, A>G. VCF-style: chr2-171435164-A-G. GRCh37 (hg19) VCF-style: chr2-172291674-A-G.
Other names: c.208A>G, p.Asn70Asp (NM_001164821.2); c.208A>G (NM_025000.3); short protein forms N70D.
Identifiers: ClinVar variation 1412724 (VCV001412724.4), dbSNP rs763821953, ClinGen allele CA1964571.